The following is an entry in ClinVar:

ClinVar aggregate classification (germline): Uncertain significance (1 of 4 stars; one submission).

Submission:

Ambry Genetics
Classification: Uncertain significance. Last evaluated: 2022-01-06. Review status: criteria provided, single submitter. Criteria: Ambry Variant Classification Scheme 2023. Collection method: clinical testing. Allele origin: germline.
Comment: The p.N1617Y variant (also known as c.4849A>T), located in coding exon 4 of the ALPK2 gene, results from an A to T substitution at nucleotide position 4849. The asparagine at codon 1617 is replaced by tyrosine, an amino acid with dissimilar properties. This amino acid position is conserved. In addition, this alteration is predicted to be tolerated by in silico analysis. Since supporting evidence is limited at this time, the clinical significance of this alteration remains unclear.

NM_052947.4(ALPK2):c.4849A>T (p.Asn1617Tyr)

Genes: ALPK2 (alpha kinase 2; minus strand), LOC130062578 (ATAC-STARR-seq lymphoblastoid active region 13390; plus strand). Cytogenetic location: 18q21.31.
Variant type: single nucleotide variant.
Coding change: c.4849A>T on transcript NM_052947.4 (MANE Select); coding-DNA position 4849, A replaced by T.
Protein change: p.Asn1617Tyr; replaces asparagine 1617 with tyrosine.
Molecular consequence: missense variant.
Genome position (GRCh38, 1-based): chr18:58,535,338, T>A on the plus strand (A>T on the coding strand, the complement: ALPK2 is on the minus strand). VCF-style: chr18-58535338-T-A. GRCh37 (hg19) VCF-style: chr18-56202570-T-A.
Other names: short protein forms N1617Y.
Identifiers: ClinVar variation 1743542 (VCV001743542.2), dbSNP rs2518873940, ClinGen allele CA402559542.